The following is an entry in ClinVar:

NM_007194.4(CHEK2):c.1065G>C (p.Leu355=)

Gene: CHEK2 (checkpoint kinase 2; minus strand). Cytogenetic location: 22q12.1.
Variant type: single nucleotide variant.
Coding change: c.1065G>C on transcript NM_007194.4 (MANE Select); coding-DNA position 1065, G replaced by C.
Protein change: p.Leu355=; no amino-acid change (leucine 355 retained).
Molecular consequence: synonymous variant. On other transcripts: intron variant (3).
Genome position (GRCh38, 1-based): chr22:28,696,931, C>G on the plus strand (G>C on the coding strand, the complement: CHEK2 is on the minus strand). VCF-style: chr22-28696931-C-G. GRCh37 (hg19) VCF-style: chr22-29092919-C-G.
Other names: c.1194G>C, p.Leu398= (NM_001005735.3); c.402G>C, p.Leu134= (NM_001257387.3, NM_001437942.1); c.864G>C, p.Leu288= (NM_001349956.3); c.1158G>C, p.Leu386= (NM_001438293.1); c.1009-1058G>C (NM_145862.3); c.1102-1058G>C (NM_001438295.1); c.1138-1058G>C (NM_001438294.1).
Identifiers: ClinVar variation 3772774 (VCV003772774.1).
Genomic context (GRCh38, chr22:28,696,931, plus strand): 5'-ATAGCCACATACAGAATGCCAATTTCTTACCTTTATAAGACAGTCCTCTTCTTGAGATGA[C>G]AGTAAAACATTCTCTGGCTTTAAGTCACGGTGTATAATACCGTTTTCATGAAGGTACTAC-3'
Protein context (NP_009125.1, residues 345-365): HRDLKPENVL[Leu355=]SSQEEDCLIK

ClinVar aggregate classification (germline): Benign (1 of 4 stars; one submission).

Conditions:
Familial cancer of breast. Also called: Hereditary breast cancer; BREAST CANCER, FAMILIAL; hereditary breast carcinoma. Identifiers: Orphanet 227535, MedGen C0346153, MONDO:0016419, OMIM 114480. Disease mechanism: loss of function.

Submission:

Myriad Genetics, Inc.
Classification: Benign for Familial cancer of breast. Last evaluated: 2024-10-04. Review status: criteria provided, single submitter. Criteria: Myriad Autosomal Dominant, Autosomal Recessive and X-Linked Classification Criteria (2023). Collection method: clinical testing. Allele origin: unknown.
Comment: This variant is considered benign. This variant is a silent/synonymous amino acid change and it is not expected to impact splicing.